The following is an entry in ClinVar:

ClinVar aggregate classification (germline): Pathogenic/Likely pathogenic. Review status: criteria provided, multiple submitters, no conflicts (2 of 4 stars). 2 submissions from 2 submitters: Pathogenic (1); Likely pathogenic (1). Last evaluated 2026-04-01.

Conditions:
Autosomal recessive omodysplasia (OMOD1). Also called: MICROMELIC DYSPLASIA, CONGENITAL, WITH DISLOCATION OF RADIUS. Identifiers: Orphanet 2733, Orphanet 93329, MedGen C1850318, MONDO:0009779, OMIM 258315.

Allele frequency attached by ClinVar (database versions not stated): ExAC 0.00001; gnomAD 0.00002.
gnomAD v4.1: 91 of 1,613,738 alleles (0.0056%); highest among the groups gnomAD compares: Non-Finnish European, 0.0076%; no homozygotes.

Submissions (2):

Department of Genetics, Sultan Qaboos University Hospital
Classification: Likely pathogenic for Autosomal recessive omodysplasia. Last evaluated: 2026-04-01. Review status: criteria provided, single submitter. Criteria: ACMG Guidelines, 2015. Collection method: clinical testing. Allele origin: germline. Affected: yes. Observed: 1 variant allele.
Comment: PP1_Strong, PM2_Supporting, PP4_Supporting

Labcorp Genetics (formerly Invitae), Labcorp
Classification: Pathogenic. Last evaluated: 2025-02-23. Review status: criteria provided, single submitter. Criteria: Invitae Variant Classification Sherloc (09022015). Collection method: clinical testing. Allele origin: germline.
Comment: This sequence change replaces arginine, which is basic and polar, with tryptophan, which is neutral and slightly polar, at codon 171 of the GPC6 protein (p.Arg171Trp). This variant is present in population databases (rs767379547, gnomAD 0.004%). This missense change has been observed in individual(s) with clinical features of Omodysplasia (internal data). It has also been observed to segregate with disease in related individuals. ClinVar contains an entry for this variant (Variation ID: 1356390). Invitae Evidence Modeling of protein sequence and biophysical properties (such as structural, functional, and spatial information, amino acid conservation, physicochemical variation, residue mobility, and thermodynamic stability) indicates that this missense variant is expected to disrupt GPC6 protein function with a positive predictive value of 80%. For these reasons, this variant has been classified as Pathogenic.

NM_005708.5(GPC6):c.511C>T (p.Arg171Trp)

Genes: GPC6 (glypican 6; plus strand), GPC6-AS2 (GPC6 antisense RNA 2; minus strand). Cytogenetic location: 13q31.3.
Variant type: single nucleotide variant.
Coding change: c.511C>T on transcript NM_005708.5 (MANE Select); coding-DNA position 511, C replaced by T.
Protein change: p.Arg171Trp; replaces arginine 171 with tryptophan.
Molecular consequence: missense variant.
Genome position (GRCh38, 1-based): chr13:93,830,345, C>T. VCF-style: chr13-93830345-C-T. GRCh37 (hg19) VCF-style: chr13-94482598-C-T.
Other names: short protein forms R171W.
Identifiers: ClinVar variation 1356390 (VCV001356390.7), dbSNP rs767379547, ClinGen allele CA7016873.